The following is an entry in ClinVar:

NM_183050.4(BCKDHB):c.757A>C (p.Ile253Leu)

Gene: BCKDHB (branched chain keto acid dehydrogenase E1 subunit beta; plus strand). Cytogenetic location: 6q14.1.
Variant type: single nucleotide variant.
Coding change: c.757A>C on transcript NM_183050.4 (MANE Select); coding-DNA position 757, A replaced by C.
Protein change: p.Ile253Leu; replaces isoleucine 253 with leucine.
Molecular consequence: missense variant. On other transcripts: non-coding transcript variant (1).
Genome position (GRCh38, 1-based): chr6:80,200,948, A>C. VCF-style: chr6-80200948-A-C. GRCh37 (hg19) VCF-style: chr6-80910665-A-C.
Other names: c.757A>C, p.Ile253Leu (NM_000056.5); c.547A>C, p.Ile183Leu (NM_001318975.1); short protein forms I253L, I183L.
Identifiers: ClinVar variation 2133214 (VCV002133214.4), dbSNP rs754390321, ClinGen allele CA364659913.

ClinVar aggregate classification (germline): Uncertain significance (1 of 4 stars; one submission).

Conditions:
Maple syrup urine disease (MSUD). Identifiers: Orphanet 511, MedGen C0024776, MeSH D008375, MONDO:0009563. Disease mechanism: loss of function.

Submission:

Labcorp Genetics (formerly Invitae), Labcorp
Classification: Uncertain significance for Maple syrup urine disease. Last evaluated: 2022-05-18. Review status: criteria provided, single submitter. Criteria: Invitae Variant Classification Sherloc (09022015). Collection method: clinical testing. Allele origin: germline.
Comment: This variant is not present in population databases (gnomAD no frequency). In summary, the available evidence is currently insufficient to determine the role of this variant in disease. Therefore, it has been classified as a Variant of Uncertain Significance. Algorithms developed to predict the effect of missense changes on protein structure and function (SIFT, PolyPhen-2, Align-GVGD) all suggest that this variant is likely to be tolerated. This variant has not been reported in the literature in individuals affected with BCKDHB-related conditions. This sequence change replaces isoleucine, which is neutral and non-polar, with leucine, which is neutral and non-polar, at codon 253 of the BCKDHB protein (p.Ile253Leu).